The following is an entry in ClinVar:

NM_000283.4(PDE6B):c.1822T>C (p.Tyr608His)

Gene: PDE6B (phosphodiesterase 6B; plus strand). Cytogenetic location: 4p16.3.
Variant type: single nucleotide variant.
Coding change: c.1822T>C on transcript NM_000283.4 (MANE Select); coding-DNA position 1822, T replaced by C.
Protein change: p.Tyr608His; replaces tyrosine 608 with histidine.
Molecular consequence: missense variant.
Genome position (GRCh38, 1-based): chr4:662,608, T>C. VCF-style: chr4-662608-T-C. GRCh37 (hg19) VCF-style: chr4-656397-T-C.
Other names: c.1822T>C, p.Tyr608His (NM_001145291.2, NM_001440547.1, NM_001440548.1); c.985T>C, p.Tyr329His (NM_001145292.2, NM_001350154.3, NM_001379246.1 and 1 more transcripts); c.667T>C, p.Tyr223His (NM_001350155.3); short protein forms Y223H, Y608H, Y329H.
Identifiers: ClinVar variation 4746191 (VCV004746191.1).
Genomic context (GRCh38, chr4:662,608, plus strand): 5'-TTCGCCATGGTGACAGCCGGCCTGTGCCATGACATCGACCACCGCGGCACCAACAACCTG[T>C]ACCAGATGAAGTAGGCACCTCAGGGCGGGCATGTGAATTAGCCCTAAATCAACTCCACGC-3'
Protein context (NP_000274.3, residues 598-618): DIDHRGTNNL[Tyr608His]QMKSQNPLAK

ClinVar aggregate classification (germline): Uncertain significance (1 of 4 stars; one submission).

gnomAD v4.1: 1 of 1,605,114 alleles (0.000062%); highest among the groups gnomAD compares: Non-Finnish European, 0.000085%; no homozygotes.

Submission:

Labcorp Genetics (formerly Invitae), Labcorp
Classification: Uncertain significance. Last evaluated: 2025-06-30. Review status: criteria provided, single submitter. Criteria: Invitae Variant Classification Sherloc (09022015). Collection method: clinical testing. Allele origin: germline.
Comment: This sequence change replaces tyrosine, which is neutral and polar, with histidine, which is basic and polar, at codon 608 of the PDE6B protein (p.Tyr608His). This variant is not present in population databases (gnomAD no frequency). This variant has not been reported in the literature in individuals affected with PDE6B-related conditions. Invitae Evidence Modeling of protein sequence and biophysical properties (such as structural, functional, and spatial information, amino acid conservation, physicochemical variation, residue mobility, and thermodynamic stability) indicates that this missense variant is expected to disrupt PDE6B protein function with a positive predictive value of 95%. In summary, the available evidence is currently insufficient to determine the role of this variant in disease. Therefore, it has been classified as a Variant of Uncertain Significance.